The following is an entry in ClinVar:

ClinVar aggregate classification (germline): Uncertain significance. Review status: criteria provided, multiple submitters, no conflicts (2 of 4 stars). 3 submissions from 3 submitters: Uncertain significance (3). Last evaluated 2026-04-07.

Conditions:
RYR1-related disorder. Also called: RYR1-related disorders; RYR1-related condition. Identifiers: MedGen CN239331.
Malignant hyperthermia, susceptibility to, 1 (MHS1). Also called: RYR1-Related Malignant Hyperthermia Susceptibility; Malignant hyperthermia suceptibility 1; Anesthesia related hyperthermia; Malignant hyperpyrexia; Fulminating hyperpyrexia; Pharmacogenic myopathy. Identifiers: Orphanet 423, MedGen C2930980, MONDO:0007783, OMIM 145600.

Allele frequency attached by ClinVar (database versions not stated): TOPMed below 0.00001; gnomAD 0.00001; 1000 Genomes Project 30x 0.00031; 1000 Genomes Project 0.00020.
gnomAD v4.1: 3 of 1,614,184 alleles (0.00019%); highest among the groups gnomAD compares: East Asian, 0.0022%; no homozygotes.

Submissions (3):

GeneDx
Classification: Uncertain significance. Last evaluated: 2026-04-07. Review status: criteria provided, single submitter. Criteria: GeneDx Variant Classification Process June 2021. Collection method: clinical testing. Allele origin: germline.
Comment: Not observed at significant frequency in large population cohorts (gnomAD); In silico analysis supports that this missense variant has a deleterious effect on protein structure/function; Has not been previously published as pathogenic or benign to our knowledge

All of Us Research Program, National Institutes of Health
Classification: Uncertain significance for Malignant hyperthermia, susceptibility to, 1. Last evaluated: 2023-12-13. Review status: criteria provided, single submitter. Criteria: ACMG Guidelines, 2015. Collection method: clinical testing. Allele origin: germline. Inheritance: Autosomal dominant inheritance. Observed: 1 variant allele, 1 heterozygote.
Comment: This missense variant replaces asparagine with serine at codon 4053 of the RYR1 protein. Computational prediction is inconclusive regarding the impact of this variant on protein structure and function (internally defined REVEL score threshold 0.5 < inconclusive < 0.7, PMID: 27666373). To our knowledge, functional studies have not been reported for this variant. This variant has not been reported in individuals affected with RYR1-related disorders in the literature. This variant has not been identified in the general population by the Genome Aggregation Database (gnomAD). The available evidence is insufficient to determine the role of this variant in disease conclusively. Therefore, this variant is classified as a Variant of Uncertain Significance.

This study involves interpretation of variants in research participants for the purpose of population health screening. Participant phenotype was not available at the time of variant classification. Additional details can be found in publication PMID: 35346344, PMCID: PMC8962531

Labcorp Genetics (formerly Invitae), Labcorp
Classification: Uncertain significance for RYR1-related disorder. Last evaluated: 2021-08-27. Review status: criteria provided, single submitter. Criteria: Invitae Variant Classification Sherloc (09022015). Collection method: clinical testing. Allele origin: germline.
Comment: This sequence change replaces asparagine with serine at codon 4053 of the RYR1 protein (p.Asn4053Ser). The asparagine residue is highly conserved and there is a small physicochemical difference between asparagine and serine. This variant is not present in population databases (ExAC no frequency). This variant has not been reported in the literature in individuals affected with RYR1-related conditions. Algorithms developed to predict the effect of missense changes on protein structure and function are either unavailable or do not agree on the potential impact of this missense change (SIFT: "Deleterious"; PolyPhen-2: "Benign"; Align-GVGD: "Class C0"). Algorithms developed to predict the effect of sequence changes on RNA splicing suggest that this variant may create or strengthen a splice site. In summary, the available evidence is currently insufficient to determine the role of this variant in disease. Therefore, it has been classified as a Variant of Uncertain Significance.

NM_000540.3(RYR1):c.12158A>G (p.Asn4053Ser)

Gene: RYR1 (ryanodine receptor 1; plus strand). Cytogenetic location: 19q13.2.
Variant type: single nucleotide variant.
Coding change: c.12158A>G on transcript NM_000540.3 (MANE Select); coding-DNA position 12158, A replaced by G.
Protein change: p.Asn4053Ser; replaces asparagine 4053 with serine.
Molecular consequence: missense variant.
Genome position (GRCh38, 1-based): chr19:38,548,296, A>G. VCF-style: chr19-38548296-A-G. GRCh37 (hg19) VCF-style: chr19-39038936-A-G.
Other names: c.12158A>G (NM_000540.2); c.12143A>G, p.Asn4048Ser (NM_001042723.2); short protein forms N4048S, N4053S.
Identifiers: ClinVar variation 1052544 (VCV001052544.9), dbSNP rs547269468, ClinGen allele CA308095870.